The following is an entry in ClinVar:

NM_018723.4(RBFOX1):c.548G>T (p.Gly183Val)

Gene: RBFOX1 (RNA binding fox-1 homolog 1; plus strand). Cytogenetic location: 16p13.3.
Variant type: single nucleotide variant.
Coding change: c.548G>T on transcript NM_018723.4 (MANE Select); coding-DNA position 548, G replaced by T.
Protein change: p.Gly183Val; replaces glycine 183 with valine.
Molecular consequence: missense variant. On other transcripts: intron variant (6).
Genome position (GRCh38, 1-based): chr16:7,595,628, G>T. VCF-style: chr16-7595628-G-T. GRCh37 (hg19) VCF-style: chr16-7645630-G-T.
Other names: c.548G>T, p.Gly183Val (NM_001142333.2, NM_001142334.2, NM_001364800.2); c.677G>T, p.Gly226Val (NM_001308117.1, NM_001411047.1, NM_001415891.1 and 3 more transcripts); c.1145G>T, p.Gly382Val (NM_001415887.1, NM_001415888.1); c.656G>T, p.Gly219Val (NM_001415889.1, NM_001415892.1, NM_001415894.1 and 3 more transcripts); c.623G>T, p.Gly208Val (NM_001415890.1, NM_001415893.1, NM_001415899.1 and 3 more transcripts); c.608G>T, p.Gly203Val (NM_001415896.1, NM_001415904.1, NM_001415906.1 and 4 more transcripts); c.554G>T, p.Gly185Val (NM_001415902.1, NM_001415911.1, NM_001415917.1); c.598-1743G>T (NM_001415908.1, NM_001415914.1); and 3 more; short protein forms G208V, G185V, G203V, G382V, G183V, G226V, G219V.
Identifiers: ClinVar variation 3152109 (VCV003152109.1), dbSNP rs2509828295, ClinGen allele CA394682967.
Genomic context (GRCh38, chr16:7,595,628, plus strand): 5'-TCGAAAATAGTGCCGATGCGGACAGGGCGAGGGAGAAATTACACGGCACCGTGGTAGAGG[G>T]CCGTAAAATCGAGGTGCATGTTCAAAATATTTTCCTTTTCATCTTTTTTATAAATGTCTG-3'
Protein context (NP_061193.2, residues 173-193): REKLHGTVVE[Gly183Val]RKIEVNNATA

ClinVar aggregate classification (germline): Likely pathogenic (1 of 4 stars; one submission).

Conditions:
Inborn genetic diseases. Identifiers: MedGen C0950123, MeSH D030342.

Submission:

Ambry Genetics
Classification: Likely pathogenic for Inborn genetic diseases. Last evaluated: 2024-01-12. Review status: criteria provided, single submitter. Criteria: Ambry Variant Classification Scheme 2023. Collection method: clinical testing. Allele origin: germline.
Comment: The c.608G>T (p.G203V) alteration is located in exon 5 (coding exon 5) of the RBFOX1 gene. This alteration results from a G to T substitution at nucleotide position 608, causing the glycine (G) at amino acid position 203 to be replaced by a valine (V). This variant was not reported in population-based cohorts in the Genome Aggregation Database (gnomAD). This amino acid position is highly conserved in available vertebrate species. This alteration is predicted to be deleterious by in silico analysis. Based on the available evidence, this alteration is classified as likely pathogenic.